The following is an entry in ClinVar:

NM_001267550.2(TTN):c.12259G>T (p.Glu4087Ter)

Gene: TTN (titin; minus strand). Cytogenetic location: 2q31.2.
Variant type: single nucleotide variant.
Coding change: c.12259G>T on transcript NM_001267550.2 (MANE Select); coding-DNA position 12259, G replaced by T.
Protein change: p.Glu4087Ter; replaces glutamic acid 4087 with a stop codon.
Molecular consequence: nonsense. On other transcripts: intron variant (1).
Genome position (GRCh38, 1-based): chr2:178,740,974, C>A on the plus strand (G>T on the coding strand, the complement: TTN is on the minus strand). VCF-style: chr2-178740974-C-A. GRCh37 (hg19) VCF-style: chr2-179605701-C-A.
Other names: c.11308G>T, p.Glu3770Ter (NM_001256850.1); c.11170G>T, p.Glu3724Ter (NM_003319.4); c.11545G>T, p.Glu3849Ter (NM_133432.3); c.11746G>T, p.Glu3916Ter (NM_133437.4); c.10361-2614G>T (NM_133378.4); short protein forms E3916*, E3770*, E4087*, E3724*, E3849*.
Identifiers: ClinVar variation 1464011 (VCV001464011.6), dbSNP rs2154318496, ClinGen allele CA349615893.

ClinVar aggregate classification (germline): Likely pathogenic (1 of 4 stars; one submission).

Conditions:
Dilated cardiomyopathy 1G (CMD1G). Identifiers: Orphanet 154, MedGen C1858763, MONDO:0011400, OMIM 604145.
Autosomal recessive limb-girdle muscular dystrophy type 2J (LGMDR10). Also called: Limb-girdle muscular dystrophy, type 2J; MUSCULAR DYSTROPHY, LIMB-GIRDLE, AUTOSOMAL RECESSIVE 10. Identifiers: Orphanet 140922, MedGen C1837342, MONDO:0012127, OMIM 608807.

Submission:

Labcorp Genetics (formerly Invitae), Labcorp
Classification: Likely pathogenic for Dilated cardiomyopathy 1G; Autosomal recessive limb-girdle muscular dystrophy type 2J. Last evaluated: 2024-10-18. Review status: criteria provided, single submitter. Criteria: Invitae Variant Classification Sherloc (09022015). Collection method: clinical testing. Allele origin: germline.
Comment: This sequence change creates a premature translational stop signal (p.Glu4087*) in the TTN gene. While this is not anticipated to result in nonsense mediated decay, it is expected to create a truncated TTN protein. This variant is not present in population databases (gnomAD no frequency). This variant has not been reported in the literature in individuals affected with TTN-related conditions. ClinVar contains an entry for this variant (Variation ID: 1464011). This variant is located in the I band of TTN (PMID: 25589632). Truncating variants in this region have been reported in individuals affected with autosomal recessive centronuclear myopathy (PMID: 23975875, internal data). Truncating variants in this region have also been identified in individuals affected with autosomal dominant dilated cardiomyopathy and/or cardio-related conditions (PMID: 27869827, 32964742, internal data). In summary, the currently available evidence indicates that the variant is pathogenic, but additional data are needed to prove that conclusively. Therefore, this variant has been classified as Likely Pathogenic.

Literature cited by the submitters: PubMed 25589632; PubMed 23975875; PubMed 27869827; PubMed 32964742.